The following is an entry in ClinVar:

NM_014003.4(DHX38):c.1441G>A (p.Val481Ile)

Gene: DHX38 (DEAH-box helicase 38; plus strand). Cytogenetic location: 16q22.2.
Variant type: single nucleotide variant.
Coding change: c.1441G>A on transcript NM_014003.4 (MANE Select); coding-DNA position 1441, G replaced by A.
Protein change: p.Val481Ile; replaces valine 481 with isoleucine.
Molecular consequence: missense variant.
Genome position (GRCh38, 1-based): chr16:72,101,554, G>A. VCF-style: chr16-72101554-G-A. GRCh37 (hg19) VCF-style: chr16-72135453-G-A.
Other names: short protein forms V481I.
Identifiers: ClinVar variation 1042003 (VCV001042003.8), dbSNP rs758099171, ClinGen allele CA283680817.

ClinVar aggregate classification (germline): Uncertain significance. Review status: criteria provided, multiple submitters, no conflicts (2 of 4 stars). 2 submissions from 2 submitters: Uncertain significance (2). Last evaluated 2024-10-22.

Allele frequency attached by ClinVar (database versions not stated): gnomAD 0.00001; TOPMed 0.00001; gnomAD exomes 0.00004.

Submissions (2):

Blueprint Genetics
Classification: Uncertain significance. Last evaluated: 2024-10-22. Review status: criteria provided, single submitter. Criteria: ACMG Guidelines, 2015. Collection method: clinical testing. Allele origin: germline.

Labcorp Genetics (formerly Invitae), Labcorp
Classification: Uncertain significance. Last evaluated: 2022-02-03. Review status: criteria provided, single submitter. Criteria: Invitae Variant Classification Sherloc (09022015). Collection method: clinical testing. Allele origin: germline.
Comment: This sequence change replaces valine, which is neutral and non-polar, with isoleucine, which is neutral and non-polar, at codon 481 of the DHX38 protein (p.Val481Ile). The frequency data for this variant in the population databases is considered unreliable, as metrics indicate poor data quality at this position in the gnomAD database. This variant has not been reported in the literature in individuals affected with DHX38-related conditions. ClinVar contains an entry for this variant (Variation ID: 1042003). Algorithms developed to predict the effect of missense changes on protein structure and function (SIFT, PolyPhen-2, Align-GVGD) all suggest that this variant is likely to be tolerated. In summary, the available evidence is currently insufficient to determine the role of this variant in disease. Therefore, it has been classified as a Variant of Uncertain Significance.